The following is an entry in ClinVar:

NM_001429.4(EP300):c.2439G>A (p.Gln813=)

Gene: EP300 (EP300 lysine acetyltransferase; plus strand). Cytogenetic location: 22q13.2.
Variant type: single nucleotide variant.
Coding change: c.2439G>A on transcript NM_001429.4 (MANE Select); coding-DNA position 2439, G replaced by A.
Protein change: p.Gln813=; no amino-acid change (glutamine 813 retained).
Molecular consequence: synonymous variant.
Genome position (GRCh38, 1-based): chr22:41,149,820, G>A. VCF-style: chr22-41149820-G-A. GRCh37 (hg19) VCF-style: chr22-41545824-G-A.
Other names: c.2361G>A, p.Gln787= (NM_001362843.2).
Identifiers: ClinVar variation 4977090 (VCV004977090.1).

ClinVar aggregate classification (germline): Likely benign (1 of 4 stars; one submission).

Conditions:
EP300-related disorder. Also called: EP300-related disorders; EP300-related condition.

gnomAD v4.1: 1 of 1,613,938 alleles (0.000062%); highest among the groups gnomAD compares: Non-Finnish European, 0.000085%; no homozygotes.

Submission:

PreventionGenetics, part of Exact Sciences
Classification: Likely benign for EP300-related condition. Last evaluated: 2026-04-25. Review status: criteria provided, single submitter. Criteria: ACMG Guidelines, 2015. Collection method: clinical testing. Allele origin: germline.
Comment: This variant is classified as likely benign based on ACMG/AMP sequence variant interpretation guidelines (Richards et al. 2015 PMID: 25741868, with internal and published modifications).